The following is an entry in ClinVar:

ClinVar aggregate classification (germline): Uncertain significance (1 of 4 stars; one submission).

Conditions:
Charcot-Marie-Tooth disease type 4. Also called: Charcot-Marie-Tooth, Type 4; Charcot-Marie-Tooth disease, type IV. Identifiers: Orphanet 64749, MedGen C4082197, MONDO:0018995.

gnomAD v4.1: 2 of 1,614,180 alleles (0.00012%); highest among the groups gnomAD compares: South Asian, 0.0011%; no homozygotes.

Submission:

Labcorp Genetics (formerly Invitae), Labcorp
Classification: Uncertain significance for Charcot-Marie-Tooth disease type 4. Last evaluated: 2019-11-26. Review status: criteria provided, single submitter. Criteria: Invitae Variant Classification Sherloc (09022015). Collection method: clinical testing. Allele origin: germline.
Comment: This variant is not present in population databases (ExAC no frequency). This sequence change replaces serine with tryptophan at codon 939 of the PRX protein (p.Ser939Trp). The serine residue is highly conserved and there is a large physicochemical difference between serine and tryptophan. This variant has not been reported in the literature in individuals with PRX-related disease. In summary, the available evidence is currently insufficient to determine the role of this variant in disease. Therefore, it has been classified as a Variant of Uncertain Significance. Algorithms developed to predict the effect of missense changes on protein structure and function do not agree on the potential impact of this missense change (SIFT: "Deleterious"; PolyPhen-2: "Probably Damaging"; Align-GVGD: "Class C15").

NM_181882.3(PRX):c.2816C>G (p.Ser939Trp)

Gene: PRX (periaxin; minus strand). Cytogenetic location: 19q13.2.
Variant type: single nucleotide variant.
Coding change: c.2816C>G on transcript NM_181882.3 (MANE Select); coding-DNA position 2816, C replaced by G.
Protein change: p.Ser939Trp; replaces serine 939 with tryptophan.
Molecular consequence: missense variant. On other transcripts: 3 prime UTR variant (1).
Genome position (GRCh38, 1-based): chr19:40,395,536, G>C on the plus strand (C>G on the coding strand, the complement: PRX is on the minus strand). VCF-style: chr19-40395536-G-C. GRCh37 (hg19) VCF-style: chr19-40901443-G-C.
Other names: c.*3021C>G (NM_020956.2); short protein forms S939W.
Identifiers: ClinVar variation 543392 (VCV000543392.10), dbSNP rs761769929, ClinGen allele CA405895518.